The following is an entry in ClinVar:

ClinVar aggregate classification (germline): Uncertain significance (1 of 4 stars; one submission).

Conditions:
Progressive encephalopathy with leukodystrophy due to DECR deficiency. Identifiers: Orphanet 431361, MedGen C1857252, MONDO:0014464, OMIM 616034.

Submission:

Labcorp Genetics (formerly Invitae), Labcorp
Classification: Uncertain significance for Progressive encephalopathy with leukodystrophy due to DECR deficiency. Last evaluated: 2024-12-19. Review status: criteria provided, single submitter. Criteria: Invitae Variant Classification Sherloc (09022015). Collection method: clinical testing. Allele origin: germline.
Comment: This sequence change replaces alanine, which is neutral and non-polar, with valine, which is neutral and non-polar, at codon 56 of the NADK2 protein (p.Ala56Val). This variant is not present in population databases (gnomAD no frequency). This variant has not been reported in the literature in individuals affected with NADK2-related conditions. An algorithm developed to predict the effect of missense changes on protein structure and function (PolyPhen-2) suggests that this variant is likely to be tolerated. In summary, the available evidence is currently insufficient to determine the role of this variant in disease. Therefore, it has been classified as a Variant of Uncertain Significance.

NM_001085411.3(NADK2):c.167C>T (p.Ala56Val)

Genes: NADK2 (NAD kinase 2, mitochondrial; minus strand), LOC129993801 (ATAC-STARR-seq lymphoblastoid silent region 15972; plus strand). Cytogenetic location: 5p13.2.
Variant type: single nucleotide variant.
Coding change: c.167C>T on transcript NM_001085411.3 (MANE Select); coding-DNA position 167, C replaced by T.
Protein change: p.Ala56Val; replaces alanine 56 with valine.
Molecular consequence: missense variant. On other transcripts: intron variant (2).
Genome position (GRCh38, 1-based): chr5:36,241,632, G>A on the plus strand (C>T on the coding strand, the complement: NADK2 is on the minus strand). VCF-style: chr5-36241632-G-A. GRCh37 (hg19) VCF-style: chr5-36241734-G-A.
Other names: c.-190+464C>T (NM_153013.5, NM_001287341.2); short protein forms A56V.
Identifiers: ClinVar variation 3709616 (VCV003709616.2).